The following is an entry in ClinVar:

ClinVar aggregate classification (germline): Uncertain significance. Review status: criteria provided, multiple submitters, no conflicts (2 of 4 stars). 3 submissions from 3 submitters: Uncertain significance (3). Last evaluated 2023-06-24.

Conditions:
Noonan syndrome 8 (NS8). Identifiers: Orphanet 648, MedGen C3809233, MONDO:0014143, OMIM 615355.
Noonan syndrome and Noonan-related syndrome. Identifiers: Orphanet 98733, MedGen C5681679, MONDO:0020297.

Submissions (3):

Labcorp Genetics (formerly Invitae), Labcorp
Classification: Uncertain significance for Noonan syndrome 8. Last evaluated: 2023-06-24. Review status: criteria provided, single submitter. Criteria: Invitae Variant Classification Sherloc (09022015). Collection method: clinical testing. Allele origin: germline.
Comment: In summary, the available evidence is currently insufficient to determine the role of this variant in disease. Therefore, it has been classified as a Variant of Uncertain Significance. This sequence change replaces aspartic acid, which is acidic and polar, with histidine, which is basic and polar, at codon 49 of the RIT1 protein (p.Asp49His). This variant is not present in population databases (gnomAD no frequency). This variant has not been reported in the literature in individuals affected with RIT1-related conditions. ClinVar contains an entry for this variant (Variation ID: 1334277). Advanced modeling of protein sequence and biophysical properties (such as structural, functional, and spatial information, amino acid conservation, physicochemical variation, residue mobility, and thermodynamic stability) performed at Invitae indicates that this missense variant is not expected to disrupt RIT1 protein function.

Genome-Nilou Lab
Classification: Uncertain significance for Noonan syndrome 8. Last evaluated: 2023-04-11. Review status: criteria provided, single submitter. Criteria: ACMG Guidelines, 2015. Collection method: clinical testing. Allele origin: germline. Affected: no.

Genome Diagnostics Laboratory, The Hospital for Sick Children
Classification: Uncertain significance for Noonan syndrome and Noonan-related syndrome. Last evaluated: 2020-02-01. Review status: criteria provided, single submitter. Criteria: ACMG Guidelines, 2015. Collection method: clinical testing. Allele origin: germline.

NM_006912.6(RIT1):c.145G>C (p.Asp49His)

Gene: RIT1 (Ras like without CAAX 1; minus strand). Cytogenetic location: 1q22.
Variant type: single nucleotide variant.
Coding change: c.145G>C on transcript NM_006912.6 (MANE Select); coding-DNA position 145, G replaced by C.
Protein change: p.Asp49His; replaces aspartic acid 49 with histidine.
Molecular consequence: missense variant.
Genome position (GRCh38, 1-based): chr1:155,910,468, C>G on the plus strand (G>C on the coding strand, the complement: RIT1 is on the minus strand). VCF-style: chr1-155910468-C-G. GRCh37 (hg19) VCF-style: chr1-155880259-C-G.
Other names: c.37G>C, p.Asp13His (NM_001256820.2); c.196G>C, p.Asp66His (NM_001256821.2); short protein forms D13H, D49H, D66H.
Identifiers: ClinVar variation 1334277 (VCV001334277.11), dbSNP rs2102590904, ClinGen allele CA342775985.